The following is an entry in ClinVar:

NM_000111.3(SLC26A3):c.202C>A (p.Arg68=)

Gene: SLC26A3 (solute carrier family 26 member 3; minus strand). Cytogenetic location: 7q22.3.
Variant type: single nucleotide variant.
Coding change: c.202C>A on transcript NM_000111.3 (MANE Select); coding-DNA position 202, C replaced by A.
Protein change: p.Arg68=; no amino-acid change (arginine 68 retained).
Molecular consequence: synonymous variant.
Genome position (GRCh38, 1-based): chr7:107,793,811, G>T on the plus strand (C>A on the coding strand, the complement: SLC26A3 is on the minus strand). VCF-style: chr7-107793811-G-T. GRCh37 (hg19) VCF-style: chr7-107434256-G-T.
Identifiers: ClinVar variation 3609369 (VCV003609369.1).

ClinVar aggregate classification (germline): Uncertain significance (1 of 4 stars; one submission).

Submission:

Labcorp Genetics (formerly Invitae), Labcorp
Classification: Uncertain significance. Last evaluated: 2025-01-06. Review status: criteria provided, single submitter. Criteria: Invitae Variant Classification Sherloc (09022015). Collection method: clinical testing. Allele origin: germline.
Comment: This sequence change affects codon 68 of the SLC26A3 mRNA. It is a 'silent' change, meaning that it does not change the encoded amino acid sequence of the SLC26A3 protein. This variant is not present in population databases (gnomAD no frequency). This variant has not been reported in the literature in individuals affected with SLC26A3-related conditions. Algorithms developed to predict the effect of sequence changes on RNA splicing suggest that this variant may disrupt the consensus splice site. In summary, the available evidence is currently insufficient to determine the role of this variant in disease. Therefore, it has been classified as a Variant of Uncertain Significance.